The following is an entry in ClinVar:

ClinVar aggregate classification (germline): Pathogenic/Likely pathogenic. Review status: criteria provided, multiple submitters, no conflicts (2 of 4 stars). 2 submissions from 2 submitters: Pathogenic (1); Likely pathogenic (1). Last evaluated 2023-07-17.

Conditions:
ABCA3-related disorder. Also called: ABCA3-related condition.

Submissions (2):

PreventionGenetics, part of Exact Sciences
Classification: Pathogenic for ABCA3-related condition. Last evaluated: 2023-07-17. Review status: criteria provided, single submitter. Criteria: ACMG Guidelines, 2015. Collection method: clinical testing. Allele origin: germline.
Comment: The ABCA3 c.4483_4507del25 variant is predicted to result in a frameshift and premature protein termination (p.Val1495Cysfs*21). This variant was reported in an individual with interstitial lung disease (Table E2, Wambach et al. 2014. PubMed ID: 24871971). This variant is reported in 0.00088% of alleles in individuals of European (Non-Finnish) descent in gnomAD. Frameshift variants in ABCA3 are expected to be pathogenic. This variant is interpreted as pathogenic.

Blueprint Genetics
Classification: Likely pathogenic for ABCA3-related disorders. Last evaluated: 2020-04-08. Review status: criteria provided, single submitter. Criteria: ACMG Guidelines, 2015. Collection method: clinical testing. Allele origin: germline. Affected: yes. Observed: 1 variant allele.

NM_001089.3(ABCA3):c.4483_4507del (p.Val1495fs)

Gene: ABCA3 (ATP binding cassette subfamily A member 3; minus strand). Cytogenetic location: 16p13.3.
Variant type: Deletion.
Coding change: c.4483_4507del on transcript NM_001089.3 (MANE Select); coding-DNA positions 4483 to 4507, 25 bases deleted (GTGGAGAACACTCTGCGGGGCCTGC).
Protein change: p.Val1495fs; shifts the reading frame from valine 1495.
Molecular consequence: frameshift variant.
Genome position (GRCh38, 1-based): chr16:2,278,983-2,279,007, GCAGGCCCCGCAGAGTGTTCTCCAC deleted on the plus strand (GTGGAGAACACTCTGCGGGGCCTGC on the coding strand, the reverse complement: ABCA3 is on the minus strand); deleting any 25 consecutive bases within chr16:2,278,983-2,279,017 gives the same sequence; the c. name uses the placement nearest the transcript's 3' end. VCF-style (leftmost placement, unchanged base first): chr16-2278982-AGCAGGCCCCGCAGAGTGTTCTCCAC-A. GRCh37 (hg19) VCF-style: chr16-2328983-AGCAGGCCCCGCAGAGTGTTCTCCAC-A.
Other names: short protein forms V1495fs.
Identifiers: ClinVar variation 2631175 (VCV002631175.2), dbSNP rs1233027765, ClinGen allele CA620708329.